The following is an entry in ClinVar:

ClinVar aggregate classification (germline): Uncertain significance (1 of 4 stars; one submission).

Allele frequency attached by ClinVar (database versions not stated): gnomAD exomes 0.00001; TOPMed 0.00003; gnomAD 0.00004.
gnomAD v4.1: 10 of 1,612,962 alleles (0.00062%); highest among the groups gnomAD compares: African/African-American, 0.012%; no homozygotes.

Submission:

Labcorp Genetics (formerly Invitae), Labcorp
Classification: Uncertain significance. Last evaluated: 2024-04-20. Review status: criteria provided, single submitter. Criteria: Invitae Variant Classification Sherloc (09022015). Collection method: clinical testing. Allele origin: germline.
Comment: This sequence change replaces arginine, which is basic and polar, with proline, which is neutral and non-polar, at codon 29 of the TOPORS protein (p.Arg29Pro). This variant is present in population databases (no rsID available, gnomAD 0.01%). This variant has not been reported in the literature in individuals affected with TOPORS-related conditions. ClinVar contains an entry for this variant (Variation ID: 1930062). An algorithm developed to predict the effect of missense changes on protein structure and function (PolyPhen-2) suggests that this variant is likely to be disruptive. In summary, the available evidence is currently insufficient to determine the role of this variant in disease. Therefore, it has been classified as a Variant of Uncertain Significance.

NM_005802.5(TOPORS):c.86G>C (p.Arg29Pro)

Gene: TOPORS (TOP1 binding arginine/serine rich protein, E3 ubiquitin ligase; minus strand). Cytogenetic location: 9p21.1.
Variant type: single nucleotide variant.
Coding change: c.86G>C on transcript NM_005802.5 (MANE Select); coding-DNA position 86, G replaced by C.
Protein change: p.Arg29Pro; replaces arginine 29 with proline.
Molecular consequence: missense variant. On other transcripts: intron variant (1).
Genome position (GRCh38, 1-based): chr9:32,550,886, C>G on the plus strand (G>C on the coding strand, the complement: TOPORS is on the minus strand). VCF-style: chr9-32550886-C-G. GRCh37 (hg19) VCF-style: chr9-32550884-C-G.
Other names: c.3+1548G>C (NM_001195622.2); short protein forms R29P.
Identifiers: ClinVar variation 1930062 (VCV001930062.5), dbSNP rs949480511, ClinGen allele CA192365710.
Genomic context (GRCh38, chr9:32,550,886, plus strand): 5'-CAGCCCAGAAAGCTAGGTCGGTGTCGGCAGGATCCGCGAAGGCGTACCCGGCGACTTCTC[C>G]GCCTACCCTCCGAAGCGGGAGCAGGCGGGGGCGCTTCACCCTCCTCGCGAGACAGCGGAG-3'
Protein context (NP_005793.2, residues 19-39): PPPAPASEGR[Arg29Pro]RSRRVRLRGS